The following is an entry in ClinVar:

NM_015311.3(OBSL1):c.5569C>T (p.Arg1857Cys)

Gene: OBSL1 (obscurin like cytoskeletal adaptor 1; minus strand). Cytogenetic location: 2q35.
Variant type: single nucleotide variant.
Coding change: c.5569C>T on transcript NM_015311.3 (MANE Select); coding-DNA position 5569, C replaced by T.
Protein change: p.Arg1857Cys; replaces arginine 1857 with cysteine.
Molecular consequence: missense variant.
Genome position (GRCh38, 1-based): chr2:219,551,643, G>A on the plus strand (C>T on the coding strand, the complement: OBSL1 is on the minus strand). VCF-style: chr2-219551643-G-A. GRCh37 (hg19) VCF-style: chr2-220416365-G-A.
Other names: c.5569C>T (NM_015311.2); short protein forms R1857C.
Identifiers: ClinVar variation 3675377 (VCV003675377.3).

ClinVar aggregate classification (germline): Uncertain significance. Review status: criteria provided, multiple submitters, no conflicts (2 of 4 stars). 2 submissions from 2 submitters: Uncertain significance (2). Last evaluated 2025-03-26.

Conditions:
Inborn genetic diseases. Identifiers: MedGen C0950123, MeSH D030342.

gnomAD v4.1: 2 of 1,611,498 alleles (0.00012%); highest among the groups gnomAD compares: East Asian, 0.0022%; no homozygotes.

Submissions (2):

Ambry Genetics
Classification: Uncertain significance for Inborn genetic diseases. Last evaluated: 2025-03-26. Review status: criteria provided, single submitter. Criteria: Ambry Variant Classification Scheme 2023. Collection method: clinical testing. Allele origin: germline.

Labcorp Genetics (formerly Invitae), Labcorp
Classification: Uncertain significance. Last evaluated: 2025-01-16. Review status: criteria provided, single submitter. Criteria: Invitae Variant Classification Sherloc (09022015). Collection method: clinical testing. Allele origin: germline.
Comment: This sequence change replaces arginine, which is basic and polar, with cysteine, which is neutral and slightly polar, at codon 1857 of the OBSL1 protein (p.Arg1857Cys). This variant is not present in population databases (gnomAD no frequency). This variant has not been reported in the literature in individuals affected with OBSL1-related conditions. An algorithm developed to predict the effect of missense changes on protein structure and function (PolyPhen-2) suggests that this variant is likely to be tolerated. In summary, the available evidence is currently insufficient to determine the role of this variant in disease. Therefore, it has been classified as a Variant of Uncertain Significance.